The following is an entry in ClinVar:

NM_001382391.1(CSPP1):c.1771A>C (p.Lys591Gln)

Gene: CSPP1 (centrosome and spindle pole associated protein 1; plus strand). Cytogenetic location: 8q13.2.
Variant type: single nucleotide variant.
Coding change: c.1771A>C on transcript NM_001382391.1 (MANE Select); coding-DNA position 1771, A replaced by C.
Protein change: p.Lys591Gln; replaces lysine 591 with glutamine.
Molecular consequence: missense variant.
Genome position (GRCh38, 1-based): chr8:67,132,024, A>C. VCF-style: chr8-67132024-A-C. GRCh37 (hg19) VCF-style: chr8-68044259-A-C.
Other names: c.874A>C, p.Lys292Gln (NM_001291339.2); c.1690A>C, p.Lys564Gln (NM_001363131.2); c.1729A>C, p.Lys577Gln (NM_001363132.2); c.1648A>C, p.Lys550Gln (NM_001363133.2); c.1837A>C, p.Lys613Gln (NM_001364869.1); c.1657A>C, p.Lys553Gln (NM_001364870.1); c.1756A>C, p.Lys586Gln (NM_024790.7); short protein forms K292Q, K550Q, K613Q, K553Q, K591Q, K564Q, K577Q, K586Q.
Identifiers: ClinVar variation 2062531 (VCV002062531.4), dbSNP rs2489155575, ClinGen allele CA371203654.
Genomic context (GRCh38, chr8:67,132,024, plus strand): 5'-CAGAATGAACTGAAGATTACAAGTGATCAAGTGATAAATTCAGGATTGATTTTTGAAGAT[A>C]AACCGAAACCTTCCAAACAGTCACTTCAGTCTTACCAAGAGGCTTTGCAGCAGCAGGTAT-3'
Protein context (NP_001369320.1, residues 581-601): VINSGLIFED[Lys591Gln]PKPSKQSLQS

ClinVar aggregate classification (germline): Uncertain significance (1 of 4 stars; one submission).

Conditions:
Joubert syndrome 21 (JBTS21). Identifiers: MedGen C3810212, MONDO:0014288, OMIM 615636.

Submission:

Labcorp Genetics (formerly Invitae), Labcorp
Classification: Uncertain significance for Joubert syndrome 21. Last evaluated: 2025-03-17. Review status: criteria provided, single submitter. Criteria: Invitae Variant Classification Sherloc (09022015). Collection method: clinical testing. Allele origin: germline.
Comment: This sequence change replaces lysine, which is basic and polar, with glutamine, which is neutral and polar, at codon 586 of the CSPP1 protein (p.Lys586Gln). This variant is not present in population databases (gnomAD no frequency). This variant has not been reported in the literature in individuals affected with CSPP1-related conditions. ClinVar contains an entry for this variant (Variation ID: 2062531). An algorithm developed to predict the effect of missense changes on protein structure and function (PolyPhen-2) suggests that this variant is likely to be disruptive. In summary, the available evidence is currently insufficient to determine the role of this variant in disease. Therefore, it has been classified as a Variant of Uncertain Significance.